The following is an entry in ClinVar:

ClinVar aggregate classification (germline): Likely benign (1 of 4 stars; one submission).

gnomAD v4.1: 2 of 1,612,414 alleles (0.00012%); highest among the groups gnomAD compares: Non-Finnish European, 0.00017%; no homozygotes.

Submission:

CeGaT Center for Human Genetics Tuebingen
Classification: Likely benign. Last evaluated: 2026-05-01. Review status: criteria provided, single submitter. Criteria: CeGaT Center For Human Genetics Tuebingen Variant Classification Criteria Version 2. Collection method: clinical testing. Allele origin: germline. Affected: yes. Observed: 1 variant allele.
Comment: TANC2: BP4

NM_001394998.1(TANC2):c.2604C>T (p.Ala868=)

Gene: TANC2 (tetratricopeptide repeat, ankyrin repeat and coiled-coil containing 2; plus strand). Cytogenetic location: 17q23.3.
Variant type: single nucleotide variant.
Coding change: c.2604C>T on transcript NM_001394998.1 (MANE Select); coding-DNA position 2604, C replaced by T.
Protein change: p.Ala868=; no amino-acid change (alanine 868 retained).
Molecular consequence: synonymous variant.
Genome position (GRCh38, 1-based): chr17:63,379,739, C>T. VCF-style: chr17-63379739-C-T. GRCh37 (hg19) VCF-style: chr17-61457100-C-T.
Other names: c.2382C>T, p.Ala794= (NM_001411076.1, NM_025185.4).
Identifiers: ClinVar variation 4875121 (VCV004875121.2).